The following is an entry in ClinVar:

NM_001199397.3(NEK1):c.313A>G (p.Ile105Val)

Gene: NEK1 (NIMA related kinase 1; minus strand). Cytogenetic location: 4q33.
Variant type: single nucleotide variant.
Coding change: c.313A>G on transcript NM_001199397.3 (MANE Select); coding-DNA position 313, A replaced by G.
Protein change: p.Ile105Val; replaces isoleucine 105 with valine.
Molecular consequence: missense variant. On other transcripts: 5 prime UTR variant (2), non-coding transcript variant (2).
Genome position (GRCh38, 1-based): chr4:169,590,809, T>C on the plus strand (A>G on the coding strand, the complement: NEK1 is on the minus strand). VCF-style: chr4-169590809-T-C. GRCh37 (hg19) VCF-style: chr4-170511960-T-C.
Other names: c.313A>G, p.Ile105Val (NM_001199398.3, NM_001199399.3, NM_001199400.3 and 11 more transcripts); c.-309A>G (NM_001440624.1, NM_001440625.1); short protein forms I105V.
Identifiers: ClinVar variation 5040976 (VCV005040976.1).

ClinVar aggregate classification (germline): Uncertain significance (1 of 4 stars; one submission).

Submission:

CeGaT Center for Human Genetics Tuebingen
Classification: Uncertain significance. Last evaluated: 2026-09-01. Review status: criteria provided, single submitter. Criteria: CeGaT Center For Human Genetics Tuebingen Variant Classification Criteria Version 2. Collection method: clinical testing. Allele origin: germline. Affected: yes. Observed: 1 variant allele.
Comment: NEK1: PM2